The following is an entry in ClinVar:

NM_001377.3(DYNC2H1):c.3611del (p.His1204fs)

Gene: DYNC2H1 (dynein cytoplasmic 2 heavy chain 1; plus strand). Cytogenetic location: 11q22.3.
Variant type: Deletion.
Coding change: c.3611del on transcript NM_001377.3 (MANE Select); coding-DNA position 3611, one base deleted (A; older notation c.3611delA).
Protein change: p.His1204fs; shifts the reading frame from histidine 1204.
Molecular consequence: frameshift variant.
Genome position (GRCh38, 1-based): chr11:103,155,368, A deleted. VCF-style (leftmost placement, unchanged base first): chr11-103155367-CA-C. GRCh37 (hg19) VCF-style: chr11-103026096-CA-C.
Other names: c.3611del, p.His1204fs (NM_001080463.2); short protein forms H1204fs.
Identifiers: ClinVar variation 5015324 (VCV005015324.1).

ClinVar aggregate classification (germline): Pathogenic (1 of 4 stars; one submission).

Conditions:
Asphyxiating thoracic dystrophy 3. Also called: SHORT-RIB THORACIC DYSPLASIA 3 WITH OR WITHOUT POLYDACTYLY; POLYDACTYLY WITH NEONATAL CHONDRODYSTROPHY, TYPE I; SHORT-RIB THORACIC DYSPLASIA 3/6 WITH POLYDACTYLY, DIGENIC; Short rib polydactyly syndrome 2B; Saldino-Noonan Syndrome. Identifiers: Orphanet 474, Orphanet 93269, Orphanet 93270, Orphanet 93271, MedGen C0036069, MONDO:0013127, OMIM 613091.

Submission:

Myriad Genetics, Inc.
Classification: Pathogenic for Asphyxiating thoracic dystrophy 3. Last evaluated: 2025-12-15. Review status: criteria provided, single submitter. Criteria: Myriad Autosomal Dominant, Autosomal Recessive and X-Linked Classification Criteria (2023). Collection method: clinical testing. Allele origin: unknown.
Comment: NM_001377.2(DYNC2H1):c.3611delA(H1204Lfs*22) is expected to be pathogenic in the context of DYNC2H1-related disorders. This variant is predicted to lead to an abnormal or absent protein product due to the creation of a premature termination codon in DYNC2H1, a gene where loss-of-function variants are known to be pathogenic. Please note: this variant was assessed in the context of healthy population screening.